The following is an entry in ClinVar:

NM_002645.4(PIK3C2A):c.4150A>G (p.Thr1384Ala)

Gene: PIK3C2A (phosphatidylinositol-4-phosphate 3-kinase catalytic subunit type 2 alpha; minus strand). Cytogenetic location: 11p15.1.
Variant type: single nucleotide variant.
Coding change: c.4150A>G on transcript NM_002645.4 (MANE Select); coding-DNA position 4150, A replaced by G.
Protein change: p.Thr1384Ala; replaces threonine 1384 with alanine.
Molecular consequence: missense variant.
Genome position (GRCh38, 1-based): chr11:17,097,233, T>C on the plus strand (A>G on the coding strand, the complement: PIK3C2A is on the minus strand). VCF-style: chr11-17097233-T-C. GRCh37 (hg19) VCF-style: chr11-17118780-T-C.
Other names: c.4150A>G, p.Thr1384Ala (NM_001321378.2); c.3010A>G, p.Thr1004Ala (NM_001321380.2); short protein forms T1004A, T1384A.
Identifiers: ClinVar variation 940980 (VCV000940980.9), dbSNP rs756387583, ClinGen allele CA5900595.
Genomic context (GRCh38, chr11:17,097,233, plus strand): 5'-TAGAAGGAAGACCAGAAAAACGAAGCTGAGCAAGGTTGTGAATGAAGAAGTTAAACTTTG[T>C]GGCAATGCTTCCCAAACTTGATTCAATAAGCCTACAAAATAATCAGAAAATTCGTTAACA-3'
Protein context (NP_002636.2, residues 1374-1394): LIESSLGSIA[Thr1384Ala]KFNFFIHNLA

ClinVar aggregate classification (germline): Uncertain significance (1 of 4 stars; one submission).

Allele frequency attached by ClinVar (database versions not stated): TOPMed below 0.00001; ExAC 0.00001; gnomAD 0.00001; gnomAD exomes 0.00001.
gnomAD v4.1: 6 of 1,613,474 alleles (0.00037%); highest among the groups gnomAD compares: Non-Finnish European, 0.000085%; no homozygotes.

Submission:

Labcorp Genetics (formerly Invitae), Labcorp
Classification: Uncertain significance. Last evaluated: 2019-11-07. Review status: criteria provided, single submitter. Criteria: Invitae Variant Classification Sherloc (09022015). Collection method: clinical testing. Allele origin: germline.
Comment: This sequence change replaces threonine with alanine at codon 1384 of the PIK3C2A protein (p.Thr1384Ala). The threonine residue is highly conserved and there is a small physicochemical difference between threonine and alanine. This variant is present in population databases (rs756387583, ExAC 0.002%). This variant has not been reported in the literature in individuals with PIK3C2A-related conditions. Algorithms developed to predict the effect of missense changes on protein structure and function are either unavailable or do not agree on the potential impact of this missense change (SIFT: "Tolerated"; PolyPhen-2: "Probably Damaging"; Align-GVGD: "Class C0"). In summary, the available evidence is currently insufficient to determine the role of this variant in disease. Therefore, it has been classified as a Variant of Uncertain Significance.